The following is an entry in ClinVar:

NM_021120.4(DLG3):c.573G>A (p.Val191=)

Gene: DLG3 (discs large MAGUK scaffold protein 3; plus strand). Cytogenetic location: Xq13.1.
Variant type: single nucleotide variant.
Coding change: c.573G>A on transcript NM_021120.4 (MANE Select); coding-DNA position 573, G replaced by A.
Protein change: p.Val191=; no amino-acid change (valine 191 retained).
Molecular consequence: synonymous variant.
Genome position (GRCh38, 1-based): chrX:70,449,729, G>A. VCF-style: chrX-70449729-G-A. GRCh37 (hg19) VCF-style: chrX-69669579-G-A.
Identifiers: ClinVar variation 748346 (VCV000748346.29), dbSNP rs200883696, ClinGen allele CA10441990.

ClinVar aggregate classification (germline): Likely benign. Review status: criteria provided, multiple submitters, no conflicts (2 of 4 stars). 4 submissions from 4 submitters: Likely benign (4). Last evaluated 2024-04-01.

Allele frequency attached by ClinVar (database versions not stated): gnomAD 0.00011 and 0.00012; TOPMed 0.00014; 1000 Genomes Project 0.00026; 1000 Genomes Project 30x 0.00042.
gnomAD v4.1: 310 of 1,209,508 alleles (0.026%); highest among the groups gnomAD compares: Non-Finnish European, 0.032%; no homozygotes.

Submissions (4):

CeGaT Center for Human Genetics Tuebingen
Classification: Likely benign. Last evaluated: 2024-04-01. Review status: criteria provided, single submitter. Criteria: CeGaT Center For Human Genetics Tuebingen Variant Classification Criteria Version 2. Collection method: clinical testing. Allele origin: germline. Affected: yes. Observed: 1 variant allele.
Comment: DLG3: BP4, BP7

Blueprint Genetics
Classification: Likely benign. Last evaluated: 2022-01-27. Review status: criteria provided, single submitter. Criteria: ACMG Guidelines, 2015. Collection method: clinical testing. Allele origin: germline.

Labcorp Genetics (formerly Invitae), Labcorp
Classification: Likely benign. Last evaluated: 2019-12-31. Review status: criteria provided, single submitter. Criteria: Invitae Variant Classification Sherloc (09022015). Collection method: clinical testing. Allele origin: germline.

Genetic Services Laboratory, University of Chicago
Classification: Likely benign. Last evaluated: 2017-12-01. Review status: criteria provided, single submitter. Criteria: ACMG Guidelines, 2015. Collection method: clinical testing. Allele origin: germline. Affected: no.